The following is an entry in ClinVar:

ClinVar aggregate classification (germline): Conflicting classifications of pathogenicity. Review status: criteria provided, conflicting classifications (1 of 4 stars). 8 submissions from 8 submitters: Uncertain significance (7); Likely benign (1). Last evaluated 2026-09-17.

Conditions:
MYBPC3-related disorder. Also called: MYBPC3-related disorders; MYBPC3-related condition; MYBPC3-related disease.
Cardiovascular phenotype. Identifiers: MedGen CN230736.
Cardiomyopathy (CMYO). Also called: Cardiomyopathies. Identifiers: Orphanet 167848, MedGen C0878544, MONDO:0004994, HP:0001638. Inheritance: Various modes of inheritance.
Hypertrophic cardiomyopathy. Also called: HYPERTROPHIC MYOCARDIOPATHY. Identifiers: Orphanet 217569, MedGen C0007194, MeSH D002312, MONDO:0005045, HP:0001639.

Allele frequency attached by ClinVar (database versions not stated): gnomAD exomes 0.00001 and 0.00004; TOPMed 0.00001; ExAC 0.00003; gnomAD 0.00003.

Submissions (8):

PreventionGenetics, part of Exact Sciences
Classification: Uncertain significance for MYBPC3-related condition. Last evaluated: 2026-09-17. Review status: criteria provided, single submitter. Criteria: ACMG Guidelines, 2015. Collection method: clinical testing. Allele origin: germline.
Comment: The MYBPC3 c.3154A>G variant is predicted to result in the amino acid substitution p.Met1052Val. This variant has been reported as a variant of uncertain significance in an individual with dilated cardiomyopathy (Table S1A, Walsh et al. 2017. PubMed ID: 27532257). This variant is reported in 0.029% of alleles in individuals of South Asian descent in gnomAD. At this time, the clinical significance of this variant is uncertain due to the absence of conclusive functional and genetic evidence.

Labcorp Genetics (formerly Invitae), Labcorp
Classification: Uncertain significance for Hypertrophic cardiomyopathy. Last evaluated: 2026-01-07. Review status: criteria provided, single submitter. Criteria: Invitae Variant Classification Sherloc (09022015). Collection method: clinical testing. Allele origin: germline.
Comment: This sequence change replaces methionine, which is neutral and non-polar, with valine, which is neutral and non-polar, at codon 1052 of the MYBPC3 protein (p.Met1052Val). This variant is present in population databases (rs730880589, gnomAD 0.03%). This missense change has been observed in individual(s) with dilated cardiomyopathy (PMID: 27532257). ClinVar contains an entry for this variant (Variation ID: 181002). An algorithm developed to predict the effect of missense changes on protein structure and function outputs the following: PolyPhen-2: "Benign". The valine amino acid residue is found in multiple mammalian species, which suggests that this missense change does not adversely affect protein function. In summary, the available evidence is currently insufficient to determine the role of this variant in disease. Therefore, it has been classified as a Variant of Uncertain Significance.

Color Diagnostics, LLC DBA Color Health
Classification: Likely benign for Cardiomyopathy. Last evaluated: 2025-02-18. Review status: criteria provided, single submitter. Criteria: ACMG Guidelines, 2015. Collection method: clinical testing. Allele origin: germline.

All of Us Research Program, National Institutes of Health
Classification: Uncertain significance for Hypertrophic cardiomyopathy. Last evaluated: 2023-12-18. Review status: criteria provided, single submitter. Criteria: ACMG Guidelines, 2015. Collection method: clinical testing. Allele origin: germline. Inheritance: Autosomal dominant inheritance. Observed: 6 variant alleles, 6 heterozygotes.
Comment: This missense variant replaces methionine with valine at codon 1052 of the MYBPC3 protein. Computational prediction suggests that this variant may not impact protein structure and function (internally defined REVEL score threshold <= 0.5, PMID: 27666373). To our knowledge, functional studies have not been reported for this variant. This variant has been reported in an individual affected with dilated cardiomyopathy (PMID: 27532257). This variant has been identified in 11/272206 chromosomes in the general population by the Genome Aggregation Database (gnomAD). The available evidence is insufficient to determine the role of this variant in disease conclusively. Therefore, this variant is classified as a Variant of Uncertain Significance.

This study involves interpretation of variants in research participants for the purpose of population health screening. Participant phenotype was not available at the time of variant classification. Additional details can be found in publication PMID: 35346344, PMCID: PMC8962531

Revvity Omics, Revvity
Classification: Uncertain significance. Last evaluated: 2023-10-17. Review status: criteria provided, single submitter. Criteria: ACMG Guidelines, 2015. Collection method: clinical testing. Allele origin: germline.

Ambry Genetics
Classification: Uncertain significance for Cardiovascular phenotype. Last evaluated: 2022-12-19. Review status: criteria provided, single submitter. Criteria: Ambry Variant Classification Scheme 2023. Collection method: clinical testing. Allele origin: germline.
Comment: The p.M1052V variant (also known as c.3154A>G), located in coding exon 29 of the MYBPC3 gene, results from an A to G substitution at nucleotide position 3154. The methionine at codon 1052 is replaced by valine, an amino acid with highly similar properties. This alteration was reported in a cardiomyopathy cohort; however, clinical details were limited (Walsh R et al. Genet Med, 2017 Feb;19:192-203). This amino acid position is not well conserved in available vertebrate species. In addition, this alteration is predicted to be tolerated by in silico analysis. Since supporting evidence is limited at this time, the clinical significance of this alteration remains unclear.

CHEO Genetics Diagnostic Laboratory, Children's Hospital of Eastern Ontario
Classification: Uncertain significance for Cardiomyopathy. Last evaluated: 2020-03-02. Review status: criteria provided, single submitter. Criteria: ACMG Guidelines, 2015. Collection method: clinical testing. Allele origin: germline.

GeneDx
Classification: Uncertain significance. Last evaluated: 2019-10-16. Review status: criteria provided, single submitter. Criteria: GeneDx Variant Classification Process June 2021. Collection method: clinical testing. Allele origin: germline. Affected: yes.
Comment: Reported in a patient referred for DCM genetic testing; however, additional clinical information was not provided (Walsh et al., 2017); In silico analysis, which includes protein predictors and evolutionary conservation, supports that this variant does not alter protein structure/function; This variant is associated with the following publications: (PMID: 27532257)

Literature cited by the submitters: PubMed 27532257 (cited by 3 submitters).

NM_000256.3(MYBPC3):c.3154A>G (p.Met1052Val)

Gene: MYBPC3 (myosin binding protein C3; minus strand). Cytogenetic location: 11p11.2.
Variant type: single nucleotide variant.
Coding change: c.3154A>G on transcript NM_000256.3 (MANE Select); coding-DNA position 3154, A replaced by G.
Protein change: p.Met1052Val; replaces methionine 1052 with valine.
Molecular consequence: missense variant.
Genome position (GRCh38, 1-based): chr11:47,333,593, T>C on the plus strand (A>G on the coding strand, the complement: MYBPC3 is on the minus strand). VCF-style: chr11-47333593-T-C. GRCh37 (hg19) VCF-style: chr11-47355144-T-C.
Other names: p.M1052V:ATG>GTG; c.3154A>G, p.Met1052Val (LRG_386t1); short protein forms M1052V.
Identifiers: ClinVar variation 181002 (VCV000181002.36), dbSNP rs730880589, ClinGen allele CA013559.